The following is an entry in ClinVar:

NM_004655.4(AXIN2):c.574A>G (p.Thr192Ala)

Gene: AXIN2 (axin 2; minus strand). Cytogenetic location: 17q24.1.
Variant type: single nucleotide variant.
Coding change: c.574A>G on transcript NM_004655.4 (MANE Select); coding-DNA position 574, A replaced by G.
Protein change: p.Thr192Ala; replaces threonine 192 with alanine.
Molecular consequence: missense variant.
Genome position (GRCh38, 1-based): chr17:65,558,047, T>C on the plus strand (A>G on the coding strand, the complement: AXIN2 is on the minus strand). VCF-style: chr17-65558047-T-C. GRCh37 (hg19) VCF-style: chr17-63554165-T-C.
Other names: c.574A>G, p.Thr192Ala (NM_001363813.1); short protein forms T192A.
Identifiers: ClinVar variation 1749422 (VCV001749422.4), dbSNP rs2144584493, ClinGen allele CA400680834.

ClinVar aggregate classification (germline): Uncertain significance. Review status: criteria provided, multiple submitters, no conflicts (2 of 4 stars). 2 submissions from 2 submitters: Uncertain significance (2). Last evaluated 2024-04-25.

Conditions:
Hereditary cancer-predisposing syndrome. Also called: Hereditary Cancer Syndrome; Hereditary neoplastic syndrome; Neoplastic Syndromes, Hereditary; Tumor predisposition. Identifiers: Orphanet 140162, MedGen C0027672, MeSH D009386, MONDO:0015356.
Oligodontia-cancer predisposition syndrome. Also called: TOOTH AGENESIS-COLORECTAL CANCER SYNDROME. Identifiers: Orphanet 300576, MedGen C1837750, MONDO:0012075, OMIM 608615. Disease mechanism: loss of function.

Allele frequency attached by ClinVar (database versions not stated): gnomAD exomes below 0.00001.
gnomAD v4.1: 1 of 1,614,060 alleles (0.000062%); highest among the groups gnomAD compares: South Asian, 0.0011%; no homozygotes.

Submissions (2):

Labcorp Genetics (formerly Invitae), Labcorp
Classification: Uncertain significance for Oligodontia-cancer predisposition syndrome. Last evaluated: 2024-04-25. Review status: criteria provided, single submitter. Criteria: Invitae Variant Classification Sherloc (09022015). Collection method: clinical testing. Allele origin: germline.
Comment: This sequence change replaces threonine, which is neutral and polar, with alanine, which is neutral and non-polar, at codon 192 of the AXIN2 protein (p.Thr192Ala). This variant is not present in population databases (gnomAD no frequency). This variant has not been reported in the literature in individuals affected with AXIN2-related conditions. ClinVar contains an entry for this variant (Variation ID: 1749422). Advanced modeling of protein sequence and biophysical properties (such as structural, functional, and spatial information, amino acid conservation, physicochemical variation, residue mobility, and thermodynamic stability) performed at Invitae indicates that this missense variant is not expected to disrupt AXIN2 protein function with a negative predictive value of 80%. In summary, the available evidence is currently insufficient to determine the role of this variant in disease. Therefore, it has been classified as a Variant of Uncertain Significance.

Ambry Genetics
Classification: Uncertain significance for Hereditary cancer-predisposing syndrome. Last evaluated: 2021-06-25. Review status: criteria provided, single submitter. Criteria: Ambry Variant Classification Scheme 2023. Collection method: clinical testing. Allele origin: germline.
Comment: The p.T192A variant (also known as c.574A>G), located in coding exon 1 of the AXIN2 gene, results from an A to G substitution at nucleotide position 574. The threonine at codon 192 is replaced by alanine, an amino acid with similar properties. This amino acid position is well conserved in available vertebrate species. In addition, the in silico prediction for this alteration is inconclusive. Since supporting evidence is limited at this time, the clinical significance of this alteration remains unclear.